The following is an entry in ClinVar:

ClinVar aggregate classification (germline): Pathogenic (1 of 4 stars; one submission).

Submission:

Labcorp Genetics (formerly Invitae), Labcorp
Classification: Pathogenic. Last evaluated: 2022-02-04. Review status: criteria provided, single submitter. Criteria: Invitae Variant Classification Sherloc (09022015). Collection method: clinical testing. Allele origin: germline.
Comment: This sequence change creates a premature translational stop signal (p.Lys216Asnfs*25) in the KLHL7 gene. It is expected to result in an absent or disrupted protein product. Loss-of-function variants in KLHL7 are known to be pathogenic (PMID: 27392078, 29074562, 30426380, 31953236). This variant is not present in population databases (gnomAD no frequency). This variant has not been reported in the literature in individuals affected with KLHL7-related conditions. For these reasons, this variant has been classified as Pathogenic.

Literature cited by the submitters: PubMed 27392078; PubMed 29074562; PubMed 30426380; PubMed 31953236.

NM_001031710.3(KLHL7):c.648_657del (p.Lys216fs)

Gene: KLHL7 (kelch like family member 7; plus strand). Cytogenetic location: 7p15.3.
Variant type: Deletion.
Coding change: c.648_657del on transcript NM_001031710.3 (MANE Select); coding-DNA positions 648 to 657, 10 bases deleted (ATACGATGAA; older notation c.648_657delATACGATGAA).
Protein change: p.Lys216fs; shifts the reading frame from lysine 216.
Molecular consequence: frameshift variant. On other transcripts: non-coding transcript variant (1).
Genome position (GRCh38, 1-based): chr7:23,143,880-23,143,889, ATACGATGAA deleted; deleting any 10 consecutive bases within chr7:23,143,876-23,143,889 gives the same sequence; the c. name uses the placement nearest the transcript's 3' end. VCF-style (leftmost placement, unchanged base first): chr7-23143875-TTGAAATACGA-T. GRCh37 (hg19) VCF-style: chr7-23183494-TTGAAATACGA-T.
Other names: c.504_513del, p.Lys168fs (NM_018846.5); short protein forms K168fs, K216fs.
Identifiers: ClinVar variation 1455727 (VCV001455727.6), dbSNP rs2128465037, ClinGen allele CA2573142059.